The following is an entry in ClinVar:

NM_001040436.3(YARS2):c.1275-2dup

Gene: YARS2 (tyrosyl-tRNA synthetase 2; minus strand). Cytogenetic location: 12p11.21.
Variant type: Duplication.
Coding change: c.1275-2dup on transcript NM_001040436.3 (MANE Select); the canonical splice acceptor site of the intron before coding-DNA position 1275, one base duplicated (A; older notation c.1275-2dupA).
Molecular consequence: splice acceptor variant.
Genome position (GRCh38, 1-based): chr12:32,747,365, T duplicated on the plus strand (A on the coding strand, the reverse complement: YARS2 is on the minus strand). VCF-style (leftmost placement, unchanged base first): chr12-32747364-C-CT. GRCh37 (hg19) VCF-style: chr12-32900298-C-CT.
Other names: c.1275-2dup (NM_001040436.2).
Identifiers: ClinVar variation 215425 (VCV000215425.18), dbSNP rs565781501, ClinGen allele CA321992.

ClinVar aggregate classification (germline): Conflicting classifications of pathogenicity. Review status: criteria provided, conflicting classifications (1 of 4 stars). 5 submissions from 5 submitters: Uncertain significance (1); Benign (3); Likely benign (1). Last evaluated 2026-01-27.

Conditions:
Myopathy, lactic acidosis, and sideroblastic anemia 2 (MLASA2). Identifiers: Orphanet 2598, MedGen C3150802, MONDO:0013307, OMIM 613561.

Allele frequency attached by ClinVar (database versions not stated): gnomAD exomes 0.00031 and 0.00094; ExAC 0.00115; ESP Exome Variant Server 0.00304; gnomAD 0.00329 and 0.00357; TOPMed 0.00352; 1000 Genomes Project 0.00419; 1000 Genomes Project 30x 0.00484.

Submissions (5):

Labcorp Genetics (formerly Invitae), Labcorp
Classification: Benign. Last evaluated: 2026-01-27. Review status: criteria provided, single submitter. Criteria: Invitae Variant Classification Sherloc (09022015). Collection method: clinical testing. Allele origin: germline.

Genomic Medicine Center of Excellence, King Faisal Specialist Hospital and Research Centre
Classification: Likely benign for Myopathy, lactic acidosis, and sideroblastic anemia 2. Last evaluated: 2025-09-10. Review status: criteria provided, single submitter. Criteria: ACMG Guidelines, 2015. Collection method: clinical testing. Allele origin: germline.

Mayo Clinic Laboratories, Mayo Clinic
Classification: Benign. Last evaluated: 2024-03-05. Review status: criteria provided, single submitter. Criteria: ACMG Guidelines, 2015. Collection method: clinical testing. Allele origin: germline. Observed: 6 variant alleles.
Comment: BS1, BS2

GeneDx
Classification: Benign. Last evaluated: 2020-12-07. Review status: criteria provided, single submitter. Criteria: GeneDx Variant Classification Process June 2021. Collection method: clinical testing. Allele origin: germline. Affected: yes.

Center for Pediatric Genomic Medicine, Children's Mercy Hospital and Clinics
Classification: Uncertain significance. Last evaluated: 2016-01-11. Review status: criteria provided, single submitter. Criteria: ACMG Guidelines, 2015. Collection method: clinical testing. Allele origin: germline.
ClinVar note: Converted during submission from Uncertain Significance to Uncertain significance.